The following is an entry in ClinVar:

ClinVar aggregate classification (germline): Conflicting classifications of pathogenicity. Review status: criteria provided, conflicting classifications (1 of 4 stars). 2 submissions from 2 submitters: Likely pathogenic (1); Uncertain significance (1). Last evaluated 2022-10-21.

Conditions:
Kabuki syndrome 1 (KABUK1). Also called: KMT2D-Related Kabuki Syndrome. Identifiers: Orphanet 2322, MedGen CN030661, MONDO:0007843, OMIM 147920.

Submissions (2):

Laboratory of Medical Genetics, National & Kapodistrian University of Athens
Classification: Likely pathogenic for Kabuki syndrome 1. Last evaluated: 2022-10-21. Review status: criteria provided, single submitter. Criteria: ACMG Guidelines, 2015. Collection method: clinical testing. Allele origin: de novo. Affected: yes.
Comment: PS2, PM2, PP3

GeneDx
Classification: Uncertain significance. Last evaluated: 2020-06-26. Review status: criteria provided, single submitter. Criteria: GeneDx Variant Classification Process June 2021. Collection method: clinical testing. Allele origin: germline. Affected: yes.
Comment: Not observed in large population cohorts (Lek et al., 2016); Has not been previously published as pathogenic or benign to our knowledge

NM_003482.4(KMT2D):c.16521G>C (p.Glu5507Asp)

Gene: KMT2D (lysine methyltransferase 2D; minus strand). Cytogenetic location: 12q13.12.
Variant type: single nucleotide variant.
Coding change: c.16521G>C on transcript NM_003482.4 (MANE Select); coding-DNA position 16521, G replaced by C.
Protein change: p.Glu5507Asp; replaces glutamic acid 5507 with aspartic acid.
Molecular consequence: missense variant.
Genome position (GRCh38, 1-based): chr12:49,022,043, C>G on the plus strand (G>C on the coding strand, the complement: KMT2D is on the minus strand). VCF-style: chr12-49022043-C-G. GRCh37 (hg19) VCF-style: chr12-49415826-C-G.
Other names: short protein forms E5507D.
Identifiers: ClinVar variation 1303994 (VCV001303994.3), dbSNP rs2137703473, ClinGen allele CA384675614.